The following is an entry in ClinVar:

ClinVar aggregate classification (germline): Pathogenic (1 of 4 stars; one submission).

Conditions:
Distichiasis-lymphedema syndrome. Also called: LYMPHEDEMA WITH DISTICHIASIS. Identifiers: Orphanet 33001, MedGen C0265345, MONDO:0007922, OMIM 153400.

Submission:

Victorian Clinical Genetics Services, Murdoch Childrens Research Institute
Classification: Pathogenic for Distichiasis-lymphedema syndrome. Last evaluated: 2026-05-14. Review status: criteria provided, single submitter. Criteria: ACMG Guidelines, 2015. Collection method: clinical testing. Allele origin: germline. Affected: yes.
Comment: This variant is classified as Pathogenic. Evidence in support of pathogenic classification: Variant is predicted to result in a truncated protein (premature termination codon is NOT located at least 54 nucleotides upstream of the final exon-exon junction) with at least 1/3 of the protein sequence affected; Variant is absent from gnomAD (v2, v3 and v4); Other truncation variants comparable to the one identified in this case have very strong previous evidence for pathogenicity (DECIPHER). Additional information: This variant is heterozygous; This gene is associated with autosomal dominant disease; This variant has no previous evidence of pathogenicity; No published segregation evidence has been identified for this variant; No published functional evidence has been identified for this variant; Loss of function and gain of function are known mechanisms of disease in this gene and are associated with lymphoedema-distichiasis syndrome with or without renal disease and diabetes mellitus (MIM#153400). Missense variants within the forkhead domain and truncating variants in the N-terminal have been shown to cause loss of function, while missense variants outside of the forkhead domain and truncating variants in the C-terminal region of the protein have been shown to cause a gain of function (PMIDs: 27276711, 16081467, 19760751) - The condition associated with this gene has incomplete penetrance (PMID: 24278289).

Literature cited by the submitters: PubMed 19760751; PubMed 27276711; PubMed 16081467; PubMed 24278289.

NM_005251.3(FOXC2):c.646G>T (p.Glu216Ter)

Gene: FOXC2 (forkhead box C2; plus strand). Cytogenetic location: 16q24.1.
Variant type: single nucleotide variant.
Coding change: c.646G>T on transcript NM_005251.3 (MANE Select); coding-DNA position 646, G replaced by T.
Protein change: p.Glu216Ter; replaces glutamic acid 216 with a stop codon.
Molecular consequence: nonsense.
Genome position (GRCh38, 1-based): chr16:86,567,981, G>T. VCF-style: chr16-86567981-G-T. GRCh37 (hg19) VCF-style: chr16-86601587-G-T.
Other names: short protein forms E216*.
Identifiers: ClinVar variation 4531623 (VCV004531623.2).